The following is an entry in ClinVar:

ClinVar aggregate classification (germline): Likely pathogenic (1 of 4 stars; one submission).

Conditions:
Spastic paraplegia. Identifiers: MedGen C0037772, HP:0001258.

Submission:

Labcorp Genetics (formerly Invitae), Labcorp
Classification: Likely pathogenic for Spastic paraplegia. Last evaluated: 2022-11-23. Review status: criteria provided, single submitter. Criteria: Invitae Variant Classification Sherloc (09022015). Collection method: clinical testing. Allele origin: germline.
Comment: This variant is not present in population databases (gnomAD no frequency). In summary, the currently available evidence indicates that the variant is pathogenic, but additional data are needed to prove that conclusively. Therefore, this variant has been classified as Likely Pathogenic. Algorithms developed to predict the effect of sequence changes on RNA splicing suggest that this variant may disrupt the consensus splice site. This variant has not been reported in the literature in individuals affected with ZFYVE26-related conditions. This variant results in the deletion of part of exon 15 of the ZFYVE26 gene. It is expected to disrupt RNA splicing. Variants that disrupt the donor or acceptor splice site typically lead to a loss of protein function (PMID: 16199547), and loss-of-function variants in ZFYVE26 are known to be pathogenic (PMID: 18394578, 19805727).

Literature cited by the submitters: PubMed 16199547; PubMed 18394578; PubMed 19805727.

NM_015346.4(ZFYVE26):c.2753_2755+5del

Gene: ZFYVE26 (zinc finger FYVE-type containing 26; minus strand). Cytogenetic location: 14q24.1.
Variant type: Deletion.
Coding change: c.2753_2755+5del on transcript NM_015346.4 (MANE Select); coding-DNA position 2753 through 5 bases into the intron after coding-DNA position 2755, 8 bases deleted (CAGGTCAG; older notation c.2753_2755+5delCAGGTCAG).
Molecular consequence: splice donor variant.
Genome position (GRCh38, 1-based): chr14:67,790,567-67,790,574, CTGACCTG deleted on the plus strand (CAGGTCAG on the coding strand, the reverse complement: ZFYVE26 is on the minus strand); deleting any 8 consecutive bases within chr14:67,790,567-67,790,577 gives the same sequence; the c. name uses the placement nearest the transcript's 3' end. VCF-style (leftmost placement, unchanged base first): chr14-67790566-CCTGACCTG-C. GRCh37 (hg19) VCF-style: chr14-68257283-CCTGACCTG-C.
Identifiers: ClinVar variation 2814601 (VCV002814601.3), dbSNP rs2502831844, ClinGen allele CA2739278789.